The following is an entry in ClinVar:

ClinVar aggregate classification (germline): Conflicting classifications of pathogenicity. Review status: criteria provided, conflicting classifications (1 of 4 stars). 2 submissions from 2 submitters: Pathogenic (1); Uncertain significance (1). Last evaluated 2023-04-20.

Conditions:
RINT1-related disorder. Also called: RINT1-related condition.

Allele frequency attached by ClinVar (database versions not stated): gnomAD 0.00001.
gnomAD v4.1: 12 of 1,608,164 alleles (0.00075%); highest among the groups gnomAD compares: Non-Finnish European, 0.001%; no homozygotes.

Submissions (2):

Neurometabolic Diseases Laboratory, Bellvitge Biomedical Research Institute (IDIBELL)
Classification: Pathogenic for RINT1-related disorder. Last evaluated: 2023-04-20. Review status: criteria provided, single submitter. Criteria: ACMG Guidelines, 2015. Collection method: research. Allele origin: germline, not applicable. Inheritance: Autosomal recessive inheritance. Affected: yes. Functional consequence: effect on RNA splicing.

Ambry Genetics
Classification: Uncertain significance. Last evaluated: 2020-12-22. Review status: criteria provided, single submitter. Criteria: Ambry Variant Classification Scheme 2023. Collection method: clinical testing. Allele origin: germline.
Comment: The c.1672-1G>C intronic variant results from a G to C substitution one nucleotide upstream from coding exon 12 of the RINT1 gene. This nucleotide position is highly conserved in available vertebrate species. In silico splice site analysis predicts that this alteration will weaken the native splice acceptor site and will result in the creation or strengthening of a novel splice acceptor site. Alterations that disrupt the canonical splice site are expected to cause aberrant splicing, resulting in an abnormal protein or a transcript that is subject to nonsense-mediated mRNA decay. However, the gene-disease association for RINT1 is limited. Since supporting evidence is limited at this time, the clinical significance of this alteration remains unclear.

NM_021930.6(RINT1):c.1672-1G>C

Gene: RINT1 (RAD50 interactor 1; plus strand). Cytogenetic location: 7q22.3.
Variant type: single nucleotide variant.
Coding change: c.1672-1G>C on transcript NM_021930.6 (MANE Select); the canonical splice acceptor site of the intron before coding-DNA position 1672, G replaced by C.
Molecular consequence: splice acceptor variant.
Genome position (GRCh38, 1-based): chr7:105,563,732, G>C. VCF-style: chr7-105563732-G-C. GRCh37 (hg19) VCF-style: chr7-105204179-G-C.
Other names: c.649-1G>C (NM_001346600.2, NM_001346603.2); c.748-1G>C (NM_001346601.2); c.1438-1G>C (NM_001346599.2).
Identifiers: ClinVar variation 1777712 (VCV001777712.30), dbSNP rs1423003209, ClinGen allele CA368813408.